The following is an entry in ClinVar:

NM_004369.4(COL6A3):c.6309+1G>T

Genes: COL6A3 (collagen type VI alpha 3 chain; minus strand), LOC122889011 (Sharpr-MPRA regulatory region 1020; plus strand). Cytogenetic location: 2q37.3.
Variant type: single nucleotide variant.
Coding change: c.6309+1G>T on transcript NM_004369.4 (MANE Select); the canonical splice donor site of the intron after coding-DNA position 6309, G replaced by T.
Molecular consequence: splice donor variant.
Genome position (GRCh38, 1-based): chr2:237,359,361, C>A on the plus strand (G>T on the coding strand, the complement: COL6A3 is on the minus strand). VCF-style: chr2-237359361-C-A. GRCh37 (hg19) VCF-style: chr2-238268004-C-A.
Other names: c.4488+1G>T (NM_057166.5); c.5691+1G>T (NM_057167.4).
Identifiers: ClinVar variation 288503 (VCV000288503.9), dbSNP rs886043919, ClinGen allele CA10606112.

ClinVar aggregate classification (germline): Pathogenic/Likely pathogenic. Review status: criteria provided, multiple submitters, no conflicts (2 of 4 stars). 3 submissions from 3 submitters: Pathogenic (2); Likely pathogenic (1). Last evaluated 2022-01-21.

Conditions:
Ullrich congenital muscular dystrophy 1A. Also called: Intermediate COL6-RD; Ullrich congenital muscular dystrophy 1. Identifiers: Orphanet 75840, MedGen C0410179, MONDO:0009681, OMIM 254090.
Bethlem myopathy 1A. Also called: Bethlem Muscular Dystrophy; MYOPATHY, BENIGN CONGENITAL, WITH CONTRACTURES; Bethlem myopathy 1. Identifiers: Orphanet 610, MedGen CN029274, MONDO:0024530, OMIM 158810.

Submissions (3):

Labcorp Genetics (formerly Invitae), Labcorp
Classification: Pathogenic for Bethlem myopathy 1A. Last evaluated: 2022-01-21. Review status: criteria provided, single submitter. Criteria: Invitae Variant Classification Sherloc (09022015). Collection method: clinical testing. Allele origin: germline.
Comment: This sequence change affects a donor splice site in intron 18 of the COL6A3 gene. It is expected to disrupt RNA splicing. Variants that disrupt the donor or acceptor splice site typically lead to a loss of protein function (PMID: 16199547), and loss-of-function variants in COL6A3 are known to be disease-causing for autosomal recessive COL6A3 conditions (PMID: 21280092, 20976770). However, certain variants affecting donor or acceptor splice sites in the triple helical domain of COL6A3 are expected to result in in-frame exon skipping and have been reported to cause autosomal dominant COL6A3-related conditions (PMID: 18366090). This variant is not present in population databases (gnomAD no frequency). Disruption of this splice site has been observed in individual(s) with clinical features of type VI/skeletal muscle collagenopathy (PMID: 20976770, 34167565). In at least one individual the variant was observed to be de novo. ClinVar contains an entry for this variant (Variation ID: 288503). Studies have shown that disruption of this splice site results in skipping of exon 18, but is expected to preserve the integrity of the reading-frame (PMID: 20976770). For these reasons, this variant has been classified as Pathogenic.

Molecular Diagnostics Laboratory, M Health Fairview: University of Minnesota
Classification: Pathogenic for Ullrich congenital muscular dystrophy 1A. Last evaluated: 2017-06-29. Review status: criteria provided, single submitter. Criteria: ACMG Guidelines, 2015. Collection method: clinical testing. Allele origin: germline. Affected: yes. Observed: 1 variant allele.

Eurofins Ntd Llc (ga)
Classification: Likely pathogenic. Last evaluated: 2016-06-06. Review status: criteria provided, single submitter. Criteria: EGL Classification Definitions 2015. Collection method: clinical testing. Allele origin: germline. Observed: 1 variant allele, 1 heterozygote.

Literature cited by the submitters: PubMed 16199547 (cited by Labcorp Genetics (formerly Invitae), Labcorp); PubMed 21280092 (cited by Labcorp Genetics (formerly Invitae), Labcorp); PubMed 20976770 (cited by Labcorp Genetics (formerly Invitae), Labcorp); PubMed 18366090 (cited by Labcorp Genetics (formerly Invitae), Labcorp and Molecular Diagnostics Laboratory, M Health Fairview: University of Minnesota); PubMed 34167565 (cited by Labcorp Genetics (formerly Invitae), Labcorp).